The following is an entry in ClinVar:

NM_133448.3(TMEM132D):c.334C>T (p.Leu112=)

Gene: TMEM132D (transmembrane protein 132D; minus strand). Cytogenetic location: 12q24.33.
Variant type: single nucleotide variant.
Coding change: c.334C>T on transcript NM_133448.3 (MANE Select); coding-DNA position 334, C replaced by T.
Protein change: p.Leu112=; no amino-acid change (leucine 112 retained).
Molecular consequence: synonymous variant.
Genome position (GRCh38, 1-based): chr12:129,700,444, G>A on the plus strand (C>T on the coding strand, the complement: TMEM132D is on the minus strand). VCF-style: chr12-129700444-G-A. GRCh37 (hg19) VCF-style: chr12-130184989-G-A.
Identifiers: ClinVar variation 3048092 (VCV003048092.2), dbSNP rs143257185, ClinGen allele CA6876414.

ClinVar aggregate classification (germline): Likely benign (0 of 4 stars; one submission).

Conditions:
TMEM132D-related disorder. Also called: TMEM132D-related condition.

Allele frequency attached by ClinVar (database versions not stated): gnomAD 0.00003; TOPMed 0.00003; ESP Exome Variant Server 0.00008.
gnomAD v4.1: 52 of 1,614,046 alleles (0.0032%); highest among the groups gnomAD compares: Non-Finnish European, 0.0031%; no homozygotes.

Submission:

PreventionGenetics, part of Exact Sciences
Classification: Likely benign for TMEM132D-related condition. Last evaluated: 2019-12-04. Review status: no assertion criteria provided. Collection method: clinical testing. Allele origin: germline.
Comment: This variant is classified as likely benign based on ACMG/AMP sequence variant interpretation guidelines (Richards et al. 2015 PMID: 25741868, with internal and published modifications).